The following is an entry in ClinVar:

ClinVar aggregate classification (germline): Pathogenic (1 of 4 stars; one submission).

Submission:

Labcorp Genetics (formerly Invitae), Labcorp
Classification: Pathogenic. Last evaluated: 2024-04-12. Review status: criteria provided, single submitter. Criteria: Invitae Variant Classification Sherloc (09022015). Collection method: clinical testing. Allele origin: germline.
Comment: This sequence change creates a premature translational stop signal (p.Arg65Serfs*8) in the PNPT1 gene. It is expected to result in an absent or disrupted protein product. Loss-of-function variants in PNPT1 are known to be pathogenic (PMID: 28594066, 30244537). This variant is not present in population databases (gnomAD no frequency). This variant has not been reported in the literature in individuals affected with PNPT1-related conditions. For these reasons, this variant has been classified as Pathogenic.

Literature cited by the submitters: PubMed 28594066; PubMed 30244537.

NM_033109.5(PNPT1):c.195del (p.Arg65fs)

Gene: PNPT1 (polyribonucleotide nucleotidyltransferase 1; minus strand). Cytogenetic location: 2p16.1.
Variant type: Deletion.
Coding change: c.195del on transcript NM_033109.5 (MANE Select); coding-DNA position 195, one base deleted (A; older notation c.195delA).
Protein change: p.Arg65fs; shifts the reading frame from arginine 65.
Molecular consequence: frameshift variant.
Genome position (GRCh38, 1-based): chr2:55,687,672, T deleted on the plus strand (A on the coding strand, the reverse complement: PNPT1 is on the minus strand). VCF-style (leftmost placement, unchanged base first): chr2-55687671-AT-A. GRCh37 (hg19) VCF-style: chr2-55914806-AT-A.
Other names: short protein forms R65fs.
Identifiers: ClinVar variation 3649678 (VCV003649678.2).